The following is an entry in ClinVar:

NM_152701.5(ABCA13):c.9221T>A (p.Met3074Lys)

Genes: ABCA13 (ATP binding cassette subfamily A member 13; plus strand), LOC126860028 (P300/CBP strongly-dependent group 1 enhancer GRCh37_chr7:48337872-48339071; plus strand). Cytogenetic location: 7p12.3.
Variant type: single nucleotide variant.
Coding change: c.9221T>A on transcript NM_152701.5 (MANE Select); coding-DNA position 9221, T replaced by A.
Protein change: p.Met3074Lys; replaces methionine 3074 with lysine.
Molecular consequence: missense variant.
Genome position (GRCh38, 1-based): chr7:48,298,387, T>A. VCF-style: chr7-48298387-T-A. GRCh37 (hg19) VCF-style: chr7-48337984-T-A.
Other names: c.9221T>A (NM_152701.4); short protein forms M3074K.
Identifiers: ClinVar variation 2657482 (VCV002657482.25), dbSNP rs117649711, ClinGen allele CA4257934.

ClinVar aggregate classification (germline): Benign. Review status: criteria provided, single submitter (1 of 4 stars). 2 submissions from 2 submitters: Benign (1). 1 of the submissions does not count toward it. Last evaluated 2026-06-01.

Conditions:
ABCA13-related disorder. Also called: ABCA13-related condition.

Allele frequency attached by ClinVar (database versions not stated): 1000 Genomes Project 0.00060; 1000 Genomes Project 30x 0.00062; ESP Exome Variant Server 0.00264.
gnomAD v4.1: 4,867 of 1,610,530 alleles (0.3%); highest among the groups gnomAD compares: Non-Finnish European, 0.36%; 11 homozygotes.

Submissions (2):

CeGaT Center for Human Genetics Tuebingen
Classification: Benign. Last evaluated: 2026-06-01. Review status: criteria provided, single submitter. Criteria: CeGaT Center For Human Genetics Tuebingen Variant Classification Criteria Version 2. Collection method: clinical testing. Allele origin: germline. Affected: yes. Observed: 5 variant alleles.
Comment: ABCA13: BP4, BS1, BS2

PreventionGenetics, part of Exact Sciences
Classification: Likely benign for ABCA13-related condition. Last evaluated: 2022-02-01. Review status: no assertion criteria provided. Collection method: clinical testing. Allele origin: germline. Not counted in ClinVar's aggregate classification.
Comment: This variant is classified as likely benign based on ACMG/AMP sequence variant interpretation guidelines (Richards et al. 2015 PMID: 25741868, with internal and published modifications).